The following is an entry in ClinVar:

NM_000180.4(GUCY2D):c.2402C>A (p.Thr801Asn)

Gene: GUCY2D (guanylate cyclase 2D, retinal; plus strand). Cytogenetic location: 17p13.1.
Variant type: single nucleotide variant.
Coding change: c.2402C>A on transcript NM_000180.4 (MANE Select); coding-DNA position 2402, C replaced by A.
Protein change: p.Thr801Asn; replaces threonine 801 with asparagine.
Molecular consequence: missense variant.
Genome position (GRCh38, 1-based): chr17:8,014,018, C>A. VCF-style: chr17-8014018-C-A. GRCh37 (hg19) VCF-style: chr17-7917336-C-A.
Other names: short protein forms T801N.
Identifiers: ClinVar variation 2088837 (VCV002088837.1), dbSNP rs766981529, ClinGen allele CA8366105.

ClinVar aggregate classification (germline): Uncertain significance (1 of 4 stars; one submission).

Conditions:
Cone-rod dystrophy 6 (CORD6). Also called: RETINAL CONE DYSTROPHY 2; Cone dystrophy progressive. Identifiers: Orphanet 1872, MedGen C1866293, MONDO:0011143, OMIM 601777.
Leber congenital amaurosis 1 (LCA1). Also called: RETINAL BLINDNESS, CONGENITAL; AMAUROSIS CONGENITA OF LEBER I; Congenital absence of the rods and cones; Leber's congenital tapetoretinal degeneration; Leber's congenital tapetoretinal dysplasia. Identifiers: Orphanet 65, MedGen C2931258, MONDO:0008764, OMIM 204000.

Allele frequency attached by ClinVar (database versions not stated): ExAC 0.00001.
gnomAD v4.1: 5 of 1,613,130 alleles (0.00031%); highest among the groups gnomAD compares: Non-Finnish European, 0.00034%; no homozygotes.

Submission:

Labcorp Genetics (formerly Invitae), Labcorp
Classification: Uncertain significance for Leber congenital amaurosis 1; Cone-rod dystrophy 6. Last evaluated: 2022-03-13. Review status: criteria provided, single submitter. Criteria: Invitae Variant Classification Sherloc (09022015). Collection method: clinical testing. Allele origin: germline.
Comment: This sequence change replaces threonine, which is neutral and polar, with asparagine, which is neutral and polar, at codon 801 of the GUCY2D protein (p.Thr801Asn). This variant is present in population databases (rs766981529, gnomAD 0.006%). This variant has not been reported in the literature in individuals affected with GUCY2D-related conditions. Algorithms developed to predict the effect of missense changes on protein structure and function are either unavailable or do not agree on the potential impact of this missense change (SIFT: "Deleterious"; PolyPhen-2: "Possibly Damaging"; Align-GVGD: "Class C0"). In summary, the available evidence is currently insufficient to determine the role of this variant in disease. Therefore, it has been classified as a Variant of Uncertain Significance.